The following is an entry in ClinVar:

ClinVar aggregate classification (germline): Uncertain significance. Review status: criteria provided, multiple submitters, no conflicts (2 of 4 stars). 2 submissions from 2 submitters: Uncertain significance (2). Last evaluated 2025-04-18.

Conditions:
Pulmonary fibrosis and/or bone marrow failure, Telomere-related, 3. Also called: PULMONARY FIBROSIS AND/OR BONE MARROW FAILURE SYNDROME, TELOMERE-RELATED, 3. Identifiers: Orphanet 2032, MedGen C4225346, MONDO:0014613, OMIM 616373.
Dyskeratosis congenita, autosomal recessive 5 (DKCB5). Identifiers: MedGen C3554656, MONDO:0014076, OMIM 615190.
Inborn genetic diseases. Identifiers: MedGen C0950123, MeSH D030342.

Allele frequency attached by ClinVar (database versions not stated): gnomAD exomes below 0.00001; ExAC 0.00001.

Submissions (2):

Ambry Genetics
Classification: Uncertain significance for Inborn genetic diseases. Last evaluated: 2025-04-18. Review status: criteria provided, single submitter. Criteria: Ambry Variant Classification Scheme 2023. Collection method: clinical testing. Allele origin: germline.
Comment: The p.S420F variant (also known as c.1259C>T), located in coding exon 14 of the RTEL1 gene, results from a C to T substitution at nucleotide position 1259. The serine at codon 420 is replaced by phenylalanine, an amino acid with highly dissimilar properties. This amino acid position is conserved. In addition, this alteration is predicted to be tolerated by in silico analysis. Based on the available evidence, the clinical significance of this variant remains unclear.

Labcorp Genetics (formerly Invitae), Labcorp
Classification: Uncertain significance for Dyskeratosis congenita, autosomal recessive 5; Pulmonary fibrosis and/or bone marrow failure, Telomere-related, 3. Last evaluated: 2024-10-24. Review status: criteria provided, single submitter. Criteria: Invitae Variant Classification Sherloc (09022015). Collection method: clinical testing. Allele origin: germline.
Comment: This sequence change replaces serine, which is neutral and polar, with phenylalanine, which is neutral and non-polar, at codon 420 of the RTEL1 protein (p.Ser420Phe). This variant is present in population databases (rs768874017, gnomAD 0.007%). This variant has not been reported in the literature in individuals affected with RTEL1-related conditions. ClinVar contains an entry for this variant (Variation ID: 2160862). An algorithm developed to predict the effect of missense changes on protein structure and function outputs the following: PolyPhen-2: "Benign". The phenylalanine amino acid residue is found in multiple mammalian species, which suggests that this missense change does not adversely affect protein function. In summary, the available evidence is currently insufficient to determine the role of this variant in disease. Therefore, it has been classified as a Variant of Uncertain Significance.

NM_001283009.2(RTEL1):c.1259C>T (p.Ser420Phe)

Genes: RTEL1-TNFRSF6B (RTEL1-TNFRSF6B readthrough (NMD candidate); plus strand), RTEL1 (regulator of telomere elongation helicase 1; plus strand). Cytogenetic location: 20q13.33.
Variant type: single nucleotide variant.
Coding change: c.1259C>T on transcript NM_001283009.2 (MANE Select); coding-DNA position 1259, C replaced by T.
Protein change: p.Ser420Phe; replaces serine 420 with phenylalanine.
Molecular consequence: missense variant. On other transcripts: non-coding transcript variant (1).
Genome position (GRCh38, 1-based): chr20:63,685,590, C>T. VCF-style: chr20-63685590-C-T. GRCh37 (hg19) VCF-style: chr20-62316943-C-T.
Other names: c.590C>T, p.Ser197Phe (NM_001283010.1); c.1259C>T, p.Ser420Phe (NM_016434.4); c.1331C>T, p.Ser444Phe (NM_032957.5); short protein forms S197F, S420F, S444F.
Identifiers: ClinVar variation 2160862 (VCV002160862.5), dbSNP rs768874017, ClinGen allele CA9964686.
Genomic context (GRCh38, chr20:63,685,590, plus strand): 5'-TCAGTGTGGACCCCTCCGAGGGCAGCCCTGGTTCCCCAGCAGGGCTGGGGGCCTTACAGT[C>T]CTATAAGGTAGGGGCCACCTCCAGGAGGCAGGTGGAGGGCAGCCCTTGTTCCCCGGCAGG-3'
Protein context (NP_001269938.1, residues 410-430): GSPAGLGALQ[Ser420Phe]YKVHIHPDAG